The following is an entry in ClinVar:

ClinVar aggregate classification (germline): Uncertain significance. Review status: criteria provided, multiple submitters, no conflicts (2 of 4 stars). 3 submissions from 3 submitters: Uncertain significance (3). Last evaluated 2025-11-26.

Conditions:
Familial focal epilepsy with variable foci (FPEVF). Identifiers: Orphanet 98820, MedGen C1858477, MONDO:0020310.
Inborn genetic diseases. Identifiers: MedGen C0950123, MeSH D030342.

Allele frequency attached by ClinVar (database versions not stated): TOPMed 0.00010; 1000 Genomes Project 30x 0.00031; 1000 Genomes Project 0.00040; ExAC 0.00003; gnomAD exomes 0.00003.
gnomAD v4.1: 24 of 1,614,108 alleles (0.0015%); highest among the groups gnomAD compares: African/African-American, 0.028%; no homozygotes.

Submissions (3):

Ambry Genetics
Classification: Uncertain significance for Inborn genetic diseases. Last evaluated: 2025-11-26. Review status: criteria provided, single submitter. Criteria: Ambry Variant Classification Scheme 2023. Collection method: clinical testing. Allele origin: germline.

Labcorp Genetics (formerly Invitae), Labcorp
Classification: Uncertain significance for Familial focal epilepsy with variable foci. Last evaluated: 2025-11-03. Review status: criteria provided, single submitter. Criteria: Invitae Variant Classification Sherloc (09022015). Collection method: clinical testing. Allele origin: germline.
Comment: This sequence change replaces isoleucine, which is neutral and non-polar, with methionine, which is neutral and non-polar, at codon 38 of the DEPDC5 protein (p.Ile38Met). This variant is present in population databases (rs566463688, gnomAD 0.03%). This variant has not been reported in the literature in individuals affected with DEPDC5-related conditions. ClinVar contains an entry for this variant (Variation ID: 1060985). Experimental studies and prediction algorithms are not available or were not evaluated, and the functional significance of this variant is currently unknown. In summary, the available evidence is currently insufficient to determine the role of this variant in disease. Therefore, it has been classified as a Variant of Uncertain Significance.

GeneDx
Classification: Uncertain significance. Last evaluated: 2020-07-02. Review status: criteria provided, single submitter. Criteria: GeneDx Variant Classification Process June 2021. Collection method: clinical testing. Allele origin: germline. Affected: yes.
Comment: In silico analysis supports that this missense variant has a deleterious effect on protein structure/function; Has not been previously published as pathogenic or benign to our knowledge

NM_001242896.3(DEPDC5):c.114T>G (p.Ile38Met)

Gene: DEPDC5 (DEP domain containing 5, GATOR1 subcomplex subunit; plus strand). Cytogenetic location: 22q12.2.
Variant type: single nucleotide variant.
Coding change: c.114T>G on transcript NM_001242896.3 (MANE Select); coding-DNA position 114, T replaced by G.
Protein change: p.Ile38Met; replaces isoleucine 38 with methionine.
Molecular consequence: missense variant. On other transcripts: non-coding transcript variant (5).
Genome position (GRCh38, 1-based): chr22:31,758,601, T>G. VCF-style: chr22-31758601-T-G. GRCh37 (hg19) VCF-style: chr22-32154587-T-G.
Other names: c.114T>G, p.Ile38Met (NM_001007188.4, NM_001136029.4, NM_001242897.2 and 9 more transcripts); short protein forms I38M.
Identifiers: ClinVar variation 1060985 (VCV001060985.9), dbSNP rs566463688, ClinGen allele CA10195819.
Genomic context (GRCh38, chr22:31,758,601, plus strand): 5'-TTCAGATGATGAGCTAGTTGTGAACCCCAAAGTGTTCCCTCACATCAAGCTTGGAGACAT[T>G]GTAGAGATTGCACACCCCAACGATGAATACAGGTGAGTGTCTCATAGGATCCATGGAACT-3'
Protein context (NP_001229825.1, residues 28-48): KVFPHIKLGD[Ile38Met]VEIAHPNDEY